The following is an entry in ClinVar:

ClinVar aggregate classification (germline): Uncertain significance (1 of 4 stars; one submission).

Conditions:
Intellectual developmental disorder with paroxysmal dyskinesia or seizures. Identifiers: MedGen C5436894, MONDO:0030900, OMIM 619150.

Submission:

Department of Molecular Genetics, Istishari Arab Hospital
Classification: Uncertain significance for Intellectual developmental disorder with paroxysmal dyskinesia or seizures. Last evaluated: 2025-09-15. Review status: criteria provided, single submitter. Criteria: ACMG Guidelines, 2015. Collection method: clinical testing. Allele origin: inherited. Inheritance: Autosomal recessive inheritance. Affected: yes.
Comment: The PDE2A variant c.2616-1G>A affects the canonical splice site in the last exon and is predicted to disrupt normal protein function. To the best of our knowledge, this variant has not been previously reported in the literature and is not observed in the gnomAD v4.1.0 dataset. It is classified as variant of uncertain significance based on ACMG/AMP/ClinGen SVI guidelines.

NM_002599.5(PDE2A):c.2616-1G>A

Gene: PDE2A (phosphodiesterase 2A; minus strand). Cytogenetic location: 11q13.4.
Variant type: single nucleotide variant.
Coding change: c.2616-1G>A on transcript NM_002599.5 (MANE Select); the canonical splice acceptor site of the intron before coding-DNA position 2616, G replaced by A.
Molecular consequence: splice acceptor variant.
Genome position (GRCh38, 1-based): chr11:72,577,595, C>T on the plus strand (G>A on the coding strand, the complement: PDE2A is on the minus strand). VCF-style: chr11-72577595-C-T. GRCh37 (hg19) VCF-style: chr11-72288639-C-T.
Other names: c.2589-1G>A (NM_001146209.3); c.2595-1G>A (NM_001143839.4); c.2553-1G>A (NM_001243784.2).
Identifiers: ClinVar variation 4086077 (VCV004086077.1).
Genomic context (GRCh38, chr11:72,577,595, plus strand): 5'-CGGTTGGAGGCCACGCGCTCGTACAGCTCTGCCGCTTTGGGGAACAGGTCCTGCAACAGC[C>T]TGCGGGTGCATGGGGGGCAGAGGGCGAGAGGCCAGAAATCAGACCATGGGCAGCAAGAAA-3'